The following is an entry in ClinVar:

ClinVar aggregate classification (germline): Uncertain significance (1 of 4 stars; one submission).

Conditions:
Long QT syndrome (LQTS). Identifiers: MedGen C0023976, MeSH D008133, MONDO:0002442. Disease mechanism: loss of function. Inheritance: Various modes of inheritance.

gnomAD v4.1: 2 of 1,571,276 alleles (0.00013%); highest among the groups gnomAD compares: Admixed American, 0.0019%; no homozygotes.

Submission:

Labcorp Genetics (formerly Invitae), Labcorp
Classification: Uncertain significance for Long QT syndrome. Last evaluated: 2022-03-26. Review status: criteria provided, single submitter. Criteria: Invitae Variant Classification Sherloc (09022015). Collection method: clinical testing. Allele origin: germline.
Comment: In summary, the available evidence is currently insufficient to determine the role of this variant in disease. Therefore, it has been classified as a Variant of Uncertain Significance. Algorithms developed to predict the effect of missense changes on protein structure and function are either unavailable or do not agree on the potential impact of this missense change (SIFT: "Tolerated"; PolyPhen-2: "Possibly Damaging"; Align-GVGD: "Class C0"). This variant has not been reported in the literature in individuals affected with AKAP9-related conditions. This variant is not present in population databases (gnomAD no frequency). This sequence change replaces glutamine, which is neutral and polar, with histidine, which is basic and polar, at codon 368 of the AKAP9 protein (p.Gln368His).

NM_005751.5(AKAP9):c.1104A>T (p.Gln368His)

Gene: AKAP9 (A-kinase anchoring protein 9; plus strand). Cytogenetic location: 7q21.2.
Variant type: single nucleotide variant.
Coding change: c.1104A>T on transcript NM_005751.5 (MANE Select); coding-DNA position 1104, A replaced by T.
Protein change: p.Gln368His; replaces glutamine 368 with histidine.
Molecular consequence: missense variant.
Genome position (GRCh38, 1-based): chr7:92,001,021, A>T. VCF-style: chr7-92001021-A-T. GRCh37 (hg19) VCF-style: chr7-91630335-A-T.
Other names: c.1104A>T, p.Gln368His (NM_147185.3); short protein forms Q368H.
Identifiers: ClinVar variation 1987125 (VCV001987125.4), dbSNP rs773837141, ClinGen allele CA368121015.